The following is an entry in ClinVar:

NM_002227.4(JAK1):c.1027C>T (p.Arg343Trp)

Gene: JAK1 (Janus kinase 1; minus strand). Cytogenetic location: 1p31.3.
Variant type: single nucleotide variant.
Coding change: c.1027C>T on transcript NM_002227.4 (MANE Select); coding-DNA position 1027, C replaced by T.
Protein change: p.Arg343Trp; replaces arginine 343 with tryptophan.
Molecular consequence: missense variant.
Genome position (GRCh38, 1-based): chr1:64,864,936, G>A on the plus strand (C>T on the coding strand, the complement: JAK1 is on the minus strand). VCF-style: chr1-64864936-G-A. GRCh37 (hg19) VCF-style: chr1-65330619-G-A.
Other names: p.Arg343Trp; c.1027C>T, p.Arg343Trp (NM_001320923.2, NM_001321852.2, NM_001321853.2 and 4 more transcripts); short protein forms R343W.
Identifiers: ClinVar variation 4541221 (VCV004541221.1).

ClinVar aggregate classification (germline): Uncertain significance (1 of 4 stars; one submission).

gnomAD v4.1: 13 of 1,613,032 alleles (0.00081%); highest among the groups gnomAD compares: African/African-American, 0.0094%; no homozygotes.

Submission:

Mayo Clinic Laboratories, Mayo Clinic
Classification: Uncertain significance. Last evaluated: 2025-07-26. Review status: criteria provided, single submitter. Criteria: ACMG Guidelines, 2015. Collection method: clinical testing. Allele origin: germline. Observed: 1 variant allele.
Comment: BP4_moderate

Literature cited by the submitters: PubMed 32574564.